The following is an entry in ClinVar:

NM_007046.4(EMILIN1):c.-8G>A

Gene: EMILIN1 (elastin microfibril interfacer 1; plus strand). Cytogenetic location: 2p23.3.
Variant type: single nucleotide variant.
Coding change: c.-8G>A on transcript NM_007046.4 (MANE Select); 8 bases upstream of the start codon, G replaced by A.
Molecular consequence: 5 prime UTR variant.
Genome position (GRCh38, 1-based): chr2:27,079,058, G>A. VCF-style: chr2-27079058-G-A. GRCh37 (hg19) VCF-style: chr2-27301926-G-A.
Identifiers: ClinVar variation 4978831 (VCV004978831.1).
Genomic context (GRCh38, chr2:27,079,058, plus strand): 5'-CGGGGCCGGCAGAGGCGCCAGTGGCTGGGCGGGATGAGTCTCTGAGGGCCACTGTGGAGC[G>A]CCCCGCCATGGCCCCCCGCACCCTCTGGAGCTGCTACCTCTGCTGCCTGCTGACGGCAGC-3'

ClinVar aggregate classification (germline): Likely benign (1 of 4 stars; one submission).

Conditions:
EMILIN1-related disorder. Also called: EMILIN1-related condition.

gnomAD v4.1: 182 of 1,543,368 alleles (0.012%); highest among the groups gnomAD compares: African/African-American, 0.17%; 1 homozygote.

Submission:

PreventionGenetics, part of Exact Sciences
Classification: Likely benign for EMILIN1-related condition. Last evaluated: 2026-03-25. Review status: criteria provided, single submitter. Criteria: ACMG Guidelines, 2015. Collection method: clinical testing. Allele origin: germline.
Comment: This variant is classified as likely benign based on ACMG/AMP sequence variant interpretation guidelines (Richards et al. 2015 PMID: 25741868, with internal and published modifications).